The following is an entry in ClinVar:

NM_004064.5(CDKN1B):c.389dup (p.Leu130fs)

Gene: CDKN1B (cyclin dependent kinase inhibitor 1B; plus strand). Cytogenetic location: 12p13.1.
Variant type: Duplication.
Coding change: c.389dup on transcript NM_004064.5 (MANE Select); coding-DNA position 389, one base duplicated (T; older notation c.389dupT).
Protein change: p.Leu130fs; shifts the reading frame from leucine 130.
Molecular consequence: frameshift variant.
Genome position (GRCh38, 1-based): chr12:12,718,228, T duplicated; the last of 3 consecutive T bases (chr12:12,718,226-12,718,228); duplicating any one gives the same sequence. VCF-style (leftmost placement, unchanged base first): chr12-12718225-A-AT. GRCh37 (hg19) VCF-style: chr12-12871159-A-AT.
Other names: short protein forms L130fs.
Identifiers: ClinVar variation 3723350 (VCV003723350.2).

ClinVar aggregate classification (germline): Pathogenic (1 of 4 stars; one submission).

Conditions:
Multiple endocrine neoplasia type 4. Also called: MULTIPLE ENDOCRINE NEOPLASIA, TYPE IV. Identifiers: Orphanet 276152, MedGen C1970712, MONDO:0012552, OMIM 610755.

Submission:

Labcorp Genetics (formerly Invitae), Labcorp
Classification: Pathogenic for Multiple endocrine neoplasia type 4. Last evaluated: 2024-10-21. Review status: criteria provided, single submitter. Criteria: Invitae Variant Classification Sherloc (09022015). Collection method: clinical testing. Allele origin: germline.
Comment: This sequence change creates a premature translational stop signal (p.Leu130Phefs*7) in the CDKN1B gene. It is expected to result in an absent or disrupted protein product. Loss-of-function variants in CDKN1B are known to be pathogenic (PMID: 17030811, 24819502). This variant is not present in population databases (gnomAD no frequency). This variant has not been reported in the literature in individuals affected with CDKN1B-related conditions. For these reasons, this variant has been classified as Pathogenic.

Literature cited by the submitters: PubMed 17030811; PubMed 24819502.